The following is an entry in ClinVar:

NM_003803.4(MYOM1):c.3368T>G (p.Val1123Gly)

Gene: MYOM1 (myomesin 1; minus strand). Cytogenetic location: 18p11.31.
Variant type: single nucleotide variant.
Coding change: c.3368T>G on transcript NM_003803.4 (MANE Select); coding-DNA position 3368, T replaced by G.
Protein change: p.Val1123Gly; replaces valine 1123 with glycine.
Molecular consequence: missense variant.
Genome position (GRCh38, 1-based): chr18:3,112,348, A>C on the plus strand (T>G on the coding strand, the complement: MYOM1 is on the minus strand). VCF-style: chr18-3112348-A-C. GRCh37 (hg19) VCF-style: chr18-3112346-A-C.
Other names: c.3080T>G, p.Val1027Gly (NM_019856.2); short protein forms V1123G, V1027G.
Identifiers: ClinVar variation 4555387 (VCV004555387.1).

ClinVar aggregate classification (germline): Uncertain significance (1 of 4 stars; one submission).

Submission:

Ambry Genetics
Classification: Uncertain significance. Last evaluated: 2025-11-24. Review status: criteria provided, single submitter. Criteria: Ambry Variant Classification Scheme 2023. Collection method: clinical testing. Allele origin: germline.
Comment: The p.V1123G variant (also known as c.3368T>G), located in coding exon 21 of the MYOM1 gene, results from a T to G substitution at nucleotide position 3368. The valine at codon 1123 is replaced by glycine, an amino acid with dissimilar properties. This amino acid position is conserved. In addition, the in silico prediction for this alteration is inconclusive. Based on the available evidence, the clinical significance of this variant remains unclear.